The following is an entry in ClinVar:

NM_001283009.2(RTEL1):c.2461G>A (p.Glu821Lys)

Genes: RTEL1-TNFRSF6B (RTEL1-TNFRSF6B readthrough (NMD candidate); plus strand), RTEL1 (regulator of telomere elongation helicase 1; plus strand). Cytogenetic location: 20q13.33.
Variant type: single nucleotide variant.
Coding change: c.2461G>A on transcript NM_001283009.2 (MANE Select); coding-DNA position 2461, G replaced by A.
Protein change: p.Glu821Lys; replaces glutamic acid 821 with lysine.
Molecular consequence: missense variant. On other transcripts: non-coding transcript variant (1).
Genome position (GRCh38, 1-based): chr20:63,690,852, G>A. VCF-style: chr20-63690852-G-A. GRCh37 (hg19) VCF-style: chr20-62322205-G-A.
Other names: c.1792G>A, p.Glu598Lys (NM_001283010.1); c.2461G>A, p.Glu821Lys (NM_016434.4); c.2533G>A, p.Glu845Lys (NM_032957.5); short protein forms E598K, E821K, E845K.
Identifiers: ClinVar variation 3760867 (VCV003760867.2).
Genomic context (GRCh38, chr20:63,690,852, plus strand): 5'-GGTGCCCCTGCAGGGTCACCAGCTGCCGGGGACCCCGAGAGTAGCCTGTGTGTGGAGTAT[G>A]AGCAGGAGCCAGTTCCTGCCCGGCAGAGGCCCAGGGGGCTGCTGGCCGCCCTGGAGCACA-3'
Protein context (NP_001269938.1, residues 811-831): DPESSLCVEY[Glu821Lys]QEPVPARQRP

ClinVar aggregate classification (germline): Uncertain significance. Review status: criteria provided, multiple submitters, no conflicts (2 of 4 stars). 2 submissions from 2 submitters: Uncertain significance (2). Last evaluated 2026-06-29.

Conditions:
Inborn genetic diseases. Identifiers: MedGen C0950123, MeSH D030342.
Dyskeratosis congenita, autosomal recessive 5 (DKCB5). Identifiers: MedGen C3554656, MONDO:0014076, OMIM 615190.
Pulmonary fibrosis and/or bone marrow failure, Telomere-related, 3. Also called: PULMONARY FIBROSIS AND/OR BONE MARROW FAILURE SYNDROME, TELOMERE-RELATED, 3. Identifiers: Orphanet 2032, MedGen C4225346, MONDO:0014613, OMIM 616373.

gnomAD v4.1: 1 of 1,605,350 alleles (0.000062%); highest among the groups gnomAD compares: Non-Finnish European, 0.000085%; no homozygotes.

Submissions (2):

Ambry Genetics
Classification: Uncertain significance for Inborn genetic diseases. Last evaluated: 2026-06-29. Review status: criteria provided, single submitter. Criteria: Ambry Variant Classification Scheme 2023. Collection method: clinical testing. Allele origin: germline.
Comment: The p.E821K variant (also known as c.2461G>A), located in coding exon 26 of the RTEL1 gene, results from a G to A substitution at nucleotide position 2461. The glutamic acid at codon 821 is replaced by lysine, an amino acid with similar properties. This amino acid position is conserved. In addition, this alteration is predicted to be tolerated by in silico analysis. Based on the available evidence, the clinical significance of this variant remains unclear.

Labcorp Genetics (formerly Invitae), Labcorp
Classification: Uncertain significance for Dyskeratosis congenita, autosomal recessive 5; Pulmonary fibrosis and/or bone marrow failure, Telomere-related, 3. Last evaluated: 2025-01-02. Review status: criteria provided, single submitter. Criteria: Invitae Variant Classification Sherloc (09022015). Collection method: clinical testing. Allele origin: germline.
Comment: This sequence change replaces glutamic acid, which is acidic and polar, with lysine, which is basic and polar, at codon 821 of the RTEL1 protein (p.Glu821Lys). This variant is not present in population databases (gnomAD no frequency). This variant has not been reported in the literature in individuals affected with RTEL1-related conditions. An algorithm developed to predict the effect of missense changes on protein structure and function (PolyPhen-2) suggests that this variant¬¨‚Ä†is likely to be tolerated. In summary, the available evidence is currently insufficient to determine the role of this variant in disease. Therefore, it has been classified as a Variant of Uncertain Significance.